The following is an entry in ClinVar:

ClinVar aggregate classification (germline): Uncertain significance. Review status: criteria provided, multiple submitters, no conflicts (2 of 4 stars). 2 submissions from 2 submitters: Uncertain significance (2). Last evaluated 2024-02-07.

Allele frequency attached by ClinVar (database versions not stated): ExAC 0.00003; ESP Exome Variant Server 0.00008; 1000 Genomes Project 0.00020; 1000 Genomes Project 30x 0.00031.
gnomAD v4.1: 38 of 1,614,196 alleles (0.0024%); highest among the groups gnomAD compares: African/African-American, 0.031%; no homozygotes.

Submissions (2):

Blueprint Genetics
Classification: Uncertain significance. Last evaluated: 2024-02-07. Review status: criteria provided, single submitter. Criteria: ACMG Guidelines, 2015. Collection method: clinical testing. Allele origin: germline.

Labcorp Genetics (formerly Invitae), Labcorp
Classification: Uncertain significance. Last evaluated: 2022-08-06. Review status: criteria provided, single submitter. Criteria: Invitae Variant Classification Sherloc (09022015). Collection method: clinical testing. Allele origin: germline.
Comment: This sequence change replaces glycine, which is neutral and non-polar, with arginine, which is basic and polar, at codon 82 of the NANS protein (p.Gly82Arg). This variant is present in population databases (rs370013075, gnomAD 0.02%). This missense change has been observed in individual(s) with sporadic inclusion body myositis (PMID: 25617006). Algorithms developed to predict the effect of missense changes on protein structure and function (SIFT, PolyPhen-2, Align-GVGD) all suggest that this variant is likely to be disruptive. In summary, the available evidence is currently insufficient to determine the role of this variant in disease. Therefore, it has been classified as a Variant of Uncertain Significance.

Literature cited by the submitters: PubMed 25617006 (cited by Labcorp Genetics (formerly Invitae), Labcorp).

NM_018946.4(NANS):c.244G>A (p.Gly82Arg)

Genes: NANS (N-acetylneuraminate synthase; plus strand), TRIM14 (tripartite motif containing 14; minus strand). Cytogenetic location: 9q22.33.
Variant type: single nucleotide variant.
Coding change: c.244G>A on transcript NM_018946.4 (MANE Select); coding-DNA position 244, G replaced by A.
Protein change: p.Gly82Arg; replaces glycine 82 with arginine.
Molecular consequence: missense variant.
Genome position (GRCh38, 1-based): chr9:98,060,893, G>A. VCF-style: chr9-98060893-G-A. GRCh37 (hg19) VCF-style: chr9-100823175-G-A.
Other names: short protein forms G82R.
Identifiers: ClinVar variation 2136798 (VCV002136798.2), dbSNP rs370013075, ClinGen allele CA5150220.